The following is an entry in ClinVar:

NM_007332.3(TRPA1):c.1966-19_1966-16dup

Genes: MSC-AS1 (MSC antisense RNA 1; plus strand), TRPA1 (transient receptor potential cation channel subfamily A member 1; minus strand). Cytogenetic location: 8q21.11.
Variant type: Duplication.
Coding change: c.1966-19_1966-16dup on transcript NM_007332.3 (MANE Select); 19 bases into the intron before coding-DNA position 1966 through 16 bases into the intron before coding-DNA position 1966, 4 bases duplicated (AAAA; older notation c.1966-19_1966-16dupAAAA).
Molecular consequence: intron variant.
Genome position (GRCh38, 1-based): chr8:72,046,624-72,046,627, TTTT duplicated on the plus strand (AAAA on the coding strand, the reverse complement: TRPA1 is on the minus strand); duplicating any 4 consecutive bases within chr8:72,046,624-72,046,631 gives the same sequence; the c. name uses the placement nearest the transcript's 3' end. VCF-style (leftmost placement, unchanged base first): chr8-72046623-A-ATTTT. GRCh37 (hg19) VCF-style: chr8-72958858-A-ATTTT.
Other names: c.1966-19_1966-16dupAAAA (NM_007332.3).
Identifiers: ClinVar variation 4688323 (VCV004688323.1).
Genomic context (GRCh38, chr8:72,046,623, plus strand): 5'-TGGTGAATTCTAATGGACATTGAAGATATTTGAAATTATACTCGATCTGTAGAAGACAGA[A>ATTTT]TTTTTTTTAAAAAAATGTACAGTTAGTCAAGTATAGAATCCCCAAAGTAATTCTTGAAAA-3'

ClinVar aggregate classification (germline): Likely benign (1 of 4 stars; one submission).

Submission:

Women's Health and Genetics/Laboratory Corporation of America, LabCorp
Classification: Likely benign. Last evaluated: 2025-12-14. Review status: criteria provided, single submitter. Criteria: LabCorp Variant Classification Summary - May 2015. Collection method: clinical testing. Allele origin: germline.
Comment: Variant summary: TRPA1 c.1966-19_1966-16dupAAAA alters a nucleotide located at a position not widely known to affect splicing. Consensus agreement among computation tools predict no significant impact on normal splicing. However, these predictions have yet to be confirmed by functional studies. The variant allele was found at a frequency of 1.7e-05 in 235468 control chromosomes. The available data on variant occurrences in the general population are insufficient to allow any conclusion about variant significance. To our knowledge, no occurrence of c.1966-19_1966-16dupAAAA in individuals affected with TRPA1-related conditions and no experimental evidence demonstrating its impact on protein function have been reported. No submitters have cited clinical-significance assessments for this variant to ClinVar. Based on the evidence outlined above, the variant was classified as likely benign.